The following is an entry in ClinVar:

ClinVar aggregate classification (germline): Uncertain significance (1 of 4 stars; one submission).

Submission:

Labcorp Genetics (formerly Invitae), Labcorp
Classification: Uncertain significance. Last evaluated: 2022-06-19. Review status: criteria provided, single submitter. Criteria: Invitae Variant Classification Sherloc (09022015). Collection method: clinical testing. Allele origin: germline.
Comment: Algorithms developed to predict the effect of missense changes on protein structure and function are either unavailable or do not agree on the potential impact of this missense change (SIFT: "Deleterious"; PolyPhen-2: "Benign"; Align-GVGD: "Class C35"). In summary, the available evidence is currently insufficient to determine the role of this variant in disease. Therefore, it has been classified as a Variant of Uncertain Significance. This sequence change replaces threonine, which is neutral and polar, with proline, which is neutral and non-polar, at codon 25 of the RPS20 protein (p.Thr25Pro). This variant is not present in population databases (gnomAD no frequency). This variant has not been reported in the literature in individuals affected with RPS20-related conditions.

NM_001023.4(RPS20):c.73A>C (p.Thr25Pro)

Gene: RPS20 (ribosomal protein S20; minus strand). Cytogenetic location: 8q12.1.
Variant type: single nucleotide variant.
Coding change: c.73A>C on transcript NM_001023.4 (MANE Select); coding-DNA position 73, A replaced by C.
Protein change: p.Thr25Pro; replaces threonine 25 with proline.
Molecular consequence: missense variant.
Genome position (GRCh38, 1-based): chr8:56,074,090, T>G on the plus strand (A>C on the coding strand, the complement: RPS20 is on the minus strand). VCF-style: chr8-56074090-T-G. GRCh37 (hg19) VCF-style: chr8-56986649-T-G.
Other names: c.73A>C, p.Thr25Pro (NM_001146227.3); short protein forms T25P.
Identifiers: ClinVar variation 2008545 (VCV002008545.4), dbSNP rs1345087538, ClinGen allele CA371283771.